The following is an entry in ClinVar:

ClinVar aggregate classification (germline): Uncertain significance (1 of 4 stars; one submission).

Allele frequency attached by ClinVar (database versions not stated): gnomAD exomes below 0.00001.
gnomAD v4.1: 2 of 1,613,406 alleles (0.00012%); highest among the groups gnomAD compares: Non-Finnish European, 0.00017%; no homozygotes.

Submission:

Labcorp Genetics (formerly Invitae), Labcorp
Classification: Uncertain significance. Last evaluated: 2020-12-31. Review status: criteria provided, single submitter. Criteria: Invitae Variant Classification Sherloc (09022015). Collection method: clinical testing. Allele origin: germline.
Comment: This variant is not present in population databases (ExAC no frequency). This sequence change replaces asparagine with serine at codon 226 of the TUBA8 protein (p.Asn226Ser). The asparagine residue is highly conserved and there is a small physicochemical difference between asparagine and serine. This variant has not been reported in the literature in individuals with TUBA8-related conditions. In summary, the available evidence is currently insufficient to determine the role of this variant in disease. Therefore, it has been classified as a Variant of Uncertain Significance. Algorithms developed to predict the effect of sequence changes on RNA splicing suggest that this variant may create or strengthen a splice site, but this prediction has not been confirmed by published transcriptional studies. Algorithms developed to predict the effect of missense changes on protein structure and function (SIFT, PolyPhen-2, Align-GVGD) all suggest that this variant is likely to be tolerated, but these predictions have not been confirmed by published functional studies and their clinical significance is uncertain.

NM_018943.3(TUBA8):c.677A>G (p.Asn226Ser)

Gene: TUBA8 (tubulin alpha 8; plus strand). Cytogenetic location: 22q11.21.
Variant type: single nucleotide variant.
Coding change: c.677A>G on transcript NM_018943.3 (MANE Select); coding-DNA position 677, A replaced by G.
Protein change: p.Asn226Ser; replaces asparagine 226 with serine.
Molecular consequence: missense variant.
Genome position (GRCh38, 1-based): chr22:18,126,655, A>G. VCF-style: chr22-18126655-A-G. GRCh37 (hg19) VCF-style: chr22-18609422-A-G.
Other names: c.479A>G, p.Asn160Ser (NM_001193414.2); short protein forms N226S, N160S.
Identifiers: ClinVar variation 1433716 (VCV001433716.8), dbSNP rs2123705692, ClinGen allele CA410263581.